The following is an entry in ClinVar:

NM_053025.4(MYLK):c.617G>T (p.Arg206Leu)

Gene: MYLK (myosin light chain kinase; minus strand). Cytogenetic location: 3q21.1.
Variant type: single nucleotide variant.
Coding change: c.617G>T on transcript NM_053025.4 (MANE Select); coding-DNA position 617, G replaced by T.
Protein change: p.Arg206Leu; replaces arginine 206 with leucine.
Molecular consequence: missense variant.
Genome position (GRCh38, 1-based): chr3:123,737,515, C>A on the plus strand (G>T on the coding strand, the complement: MYLK is on the minus strand). VCF-style: chr3-123737515-C-A. GRCh37 (hg19) VCF-style: chr3-123456362-C-A.
Other names: c.89G>T, p.Arg30Leu (NM_001321309.2); c.617G>T, p.Arg206Leu (NM_053026.4, NM_053027.4, NM_053028.4); short protein forms R206L, R30L.
Identifiers: ClinVar variation 409704 (VCV000409704.2), dbSNP rs367649461, ClinGen allele CA073374.
Genomic context (GRCh38, chr3:123,737,515, plus strand): 5'-TCTTGGTTGACTCCATGGATTTCCAGAACCTGCATGCCGTTCTTCTCAGACACAGACACA[C>A]GGGCACTCGGCTGCAGTGGAACATTTCCCTGTGGATGGCAATGGGGTAACTTGGTCATAC-3'
Protein context (NP_444253.3, residues 196-216): KGNVPLQPSA[Arg206Leu]VSVSEKNGMQ

ClinVar aggregate classification (germline): Uncertain significance. Review status: criteria provided, multiple submitters, no conflicts (2 of 4 stars). 2 submissions from 2 submitters: Uncertain significance (2). Last evaluated 2023-01-04.

Conditions:
MYLK-related disorder. Also called: MYLK-related condition.
Aortic aneurysm, familial thoracic 7 (AAT7). Also called: AORTIC DISSECTION, FAMILIAL, WITH OR WITHOUT AORTIC ANEURYSM. Identifiers: MedGen C3151077, MONDO:0013418, OMIM 613780.

Allele frequency attached by ClinVar (database versions not stated): gnomAD exomes below 0.00001; 1000 Genomes Project 30x 0.00016; 1000 Genomes Project 0.00020.
gnomAD v4.1: 1 of 1,614,192 alleles (0.000062%); highest among the groups gnomAD compares: African/African-American, 0.0013%; no homozygotes.

Submissions (2):

PreventionGenetics, part of Exact Sciences
Classification: Uncertain significance for MYLK-related condition. Last evaluated: 2023-01-04. Review status: criteria provided, single submitter. Criteria: ACMG Guidelines, 2015. Collection method: clinical testing. Allele origin: germline.
Comment: The MYLK c.617G>T variant is predicted to result in the amino acid substitution p.Arg206Leu. To our knowledge, this variant has not been reported in the literature. This variant is reported in 0.0062% of alleles in individuals of African descent in gnomAD. At this time, the clinical significance of this variant is uncertain due to the absence of conclusive functional and genetic evidence.

Labcorp Genetics (formerly Invitae), Labcorp
Classification: Uncertain significance for Aortic aneurysm, familial thoracic 7. Last evaluated: 2017-01-18. Review status: criteria provided, single submitter. Criteria: Invitae Variant Classification Sherloc (09022015). Collection method: clinical testing. Allele origin: germline.
Comment: This sequence change replaces arginine with leucine at codon 206 of the MYLK protein (p.Arg206Leu). The arginine residue is highly conserved and there is a moderate physicochemical difference between arginine and leucine. This variant is present in population databases (rs367649461, ExAC 0.01%) but has not been reported in the literature in individuals with a MYLK-related disease. Algorithms developed to predict the effect of missense changes on protein structure and function do not agree on the potential impact of this missense change (SIFT: "Deleterious"; PolyPhen-2: "Benign"; Align-GVGD: "Class C65"). In summary, this variant is a rare missense change with uncertain impact on protein function. There is no indication that it causes disease, but the available evidence is currently insufficient to prove that conclusively. Therefore, it has been classified as a Variant of Uncertain Significance.